The following is an entry in ClinVar:

ClinVar aggregate classification (germline): Likely pathogenic (1 of 4 stars; one submission).

Conditions:
Neurodevelopmental disorder with or without early-onset generalized epilepsy. Identifiers: MedGen C5436914, MONDO:0030930, OMIM 619157.

Submission:

Diagnostics Services (NGS), CSIR - Centre For Cellular And Molecular Biology
Classification: Likely pathogenic for Neurodevelopmental disorder with or without early-onset generalized epilepsy. Last evaluated: 2025-05-08. Review status: criteria provided, single submitter. Criteria: ACMG Guidelines, 2015. Collection method: clinical testing. Allele origin: unknown. Affected: yes. Observed: 1 variant allele, 1 heterozygote.
Comment: The c.6012+2T>C variant is not present in 1000 Genomes, EVS, gnomAD, Indian Exome Database or our internal database. This variant has neither been published in literature in individuals affected with NBEA-related conditions nor reported to the clinical databases like Human Genome Mutation Database (HGMD), ClinVar or OMIM, in any affected individuals. Algorithms developed to predict the effect of sequence changes on RNA splicing suggest that this variant can disrupt the consensus splice site. In-silico pathogenicity prediction programs like HSF3.1, MutationTaster2, CADD, Varsome, Franklin etc predicted the variant to be likely deleterious, however these predictions were not confirmed by published functional/translational studies.

NM_001385012.1(NBEA):c.6012+2T>C

Gene: NBEA (neurobeachin; plus strand). Cytogenetic location: 13q13.3.
Variant type: single nucleotide variant.
Coding change: c.6012+2T>C on transcript NM_001385012.1 (MANE Select); the canonical splice donor site of the intron after coding-DNA position 6012, T replaced by C.
Molecular consequence: splice donor variant.
Genome position (GRCh38, 1-based): chr13:35,349,218, T>C. VCF-style: chr13-35349218-T-C. GRCh37 (hg19) VCF-style: chr13-35923355-T-C.
Other names: c.6012+2T>C (NM_015678.5); c.6003+2T>C (NM_001379245.1).
Identifiers: ClinVar variation 4057296 (VCV004057296.1).